The following is an entry in ClinVar:

ClinVar aggregate classification (germline): Uncertain significance. Review status: criteria provided, multiple submitters, no conflicts (2 of 4 stars). 3 submissions from 3 submitters: Uncertain significance (3). Last evaluated 2026-01-21.

Conditions:
Inborn genetic diseases. Identifiers: MedGen C0950123, MeSH D030342.
Deafness-lymphedema-leukemia syndrome. Also called: Emberger syndrome; Lymphedema, primary, with myelodysplasia. Identifiers: Orphanet 3226, MedGen C3279664, MONDO:0013540, OMIM 614038.
Monocytopenia with susceptibility to infections. Also called: IMMUNODEFICIENCY 21; MONOCYTOPENIA AND MYCOBACTERIAL INFECTION SYNDROME; MONOCYTOPENIA WITH SUSCEPTIBILITY TO MYCOBACTERIAL, FUNGAL, AND PAPILLOMAVIRUS INFECTIONS AND MYELODYSPLASIA; COMBINED IMMUNODEFICIENCY WITH SUSCEPTIBILITY TO MYCOBACTERIAL, VIRAL, AND FUNGAL INFECTIONS; Dendritic cell, monocyte, B lymphocyte, and natural killer lymphocyte deficiency; GATA2 DEFICIENCY. Identifiers: Orphanet 228423, MedGen C3280030, MONDO:0013607, OMIM 614172.
Acute myeloid leukemia (AML). Also called: Leukemia, acute myeloid, somatic; Leukemia, acute myelogenous, somatic; Acute myeloid leukemia, adult; AML adult; Acute non-lymphocytic leukemia; Acute granulocytic leukemia. Identifiers: Orphanet 519, MedGen C0023467, MeSH D015470, MONDO:0018874, OMIM 601626, HP:0004808. Disease mechanism: Constitutively activated FLT3.

Submissions (3):

Ambry Genetics
Classification: Uncertain significance for Inborn genetic diseases. Last evaluated: 2026-01-21. Review status: criteria provided, single submitter. Criteria: Ambry Variant Classification Scheme 2023. Collection method: clinical testing. Allele origin: germline.
Comment: The p.E412D variant (also known as c.1236G>T), located in coding exon 5 of the GATA2 gene, results from a G to T substitution at nucleotide position 1236. The glutamic acid at codon 412 is replaced by aspartic acid, an amino acid with highly similar properties. This amino acid position is well conserved in available vertebrate species. In addition, this alteration is predicted to be tolerated by in silico analysis. Based on the available evidence, the clinical significance of this variant remains unclear.

Baylor Genetics
Classification: Uncertain significance for Acute myeloid leukemia. Last evaluated: 2023-11-10. Review status: criteria provided, single submitter. Criteria: ACMG Guidelines, 2015. Collection method: clinical testing. Allele origin: unknown.

Labcorp Genetics (formerly Invitae), Labcorp
Classification: Uncertain significance for Monocytopenia with susceptibility to infections; Deafness-lymphedema-leukemia syndrome. Last evaluated: 2020-07-01. Review status: criteria provided, single submitter. Criteria: Invitae Variant Classification Sherloc (09022015). Collection method: clinical testing. Allele origin: germline.
Comment: In summary, the available evidence is currently insufficient to determine the role of this variant in disease. Therefore, it has been classified as a Variant of Uncertain Significance. Algorithms developed to predict the effect of missense changes on protein structure and function do not agree on the potential impact of this missense change (SIFT: "Tolerated"; PolyPhen-2: "Probably Damaging"; Align-GVGD: "Class C0"). This variant has not been reported in the literature in individuals with GATA2-related disease. This variant is not present in population databases (ExAC no frequency). This sequence change replaces glutamic acid with aspartic acid at codon 412 of the GATA2 protein (p.Glu412Asp). The glutamic acid residue is moderately conserved and there is a small physicochemical difference between glutamic acid and aspartic acid.

NM_032638.5(GATA2):c.1236G>T (p.Glu412Asp)

Gene: GATA2 (GATA binding protein 2; minus strand). Cytogenetic location: 3q21.3.
Variant type: single nucleotide variant.
Coding change: c.1236G>T on transcript NM_032638.5 (MANE Select); coding-DNA position 1236, G replaced by T.
Protein change: p.Glu412Asp; replaces glutamic acid 412 with aspartic acid.
Molecular consequence: missense variant.
Genome position (GRCh38, 1-based): chr3:128,481,226, C>A on the plus strand (G>T on the coding strand, the complement: GATA2 is on the minus strand). VCF-style: chr3-128481226-C-A. GRCh37 (hg19) VCF-style: chr3-128200069-C-A.
Other names: c.1236G>T, p.Glu412Asp (NM_001145661.2); c.1194G>T, p.Glu398Asp (NM_001145662.1); short protein forms E412D, E398D.
Identifiers: ClinVar variation 567771 (VCV000567771.13), dbSNP rs1559984721, ClinGen allele CA354413038.